The following is an entry in ClinVar:

NM_000156.6(GAMT):c.26T>A (p.Ile9Asn)

Genes: GAMT (guanidinoacetate N-methyltransferase; minus strand), LOC130062945 (ATAC-STARR-seq lymphoblastoid silent region 9707; plus strand). Cytogenetic location: 19p13.3.
Variant type: single nucleotide variant.
Coding change: c.26T>A on transcript NM_000156.6 (MANE Select); coding-DNA position 26, T replaced by A.
Protein change: p.Ile9Asn; replaces isoleucine 9 with asparagine.
Molecular consequence: missense variant.
Genome position (GRCh38, 1-based): chr19:1,401,451, A>T on the plus strand (T>A on the coding strand, the complement: GAMT is on the minus strand). VCF-style: chr19-1401451-A-T. GRCh37 (hg19) VCF-style: chr19-1401450-A-T.
Other names: c.26T>A, p.Ile9Asn (NM_138924.3); short protein forms I9N.
Identifiers: ClinVar variation 1415000 (VCV001415000.5), dbSNP rs2082633745, ClinGen allele CA402998441.

ClinVar aggregate classification (germline): Uncertain significance (1 of 4 stars; one submission).

Conditions:
Cerebral creatine deficiency syndrome. Also called: Creatine deficiency syndromes. Identifiers: Orphanet 79172, MedGen C5244016, MONDO:0000456.

Allele frequency attached by ClinVar (database versions not stated): gnomAD 0.00001; TOPMed 0.00001.

Submission:

Labcorp Genetics (formerly Invitae), Labcorp
Classification: Uncertain significance for Cerebral creatine deficiency syndrome. Last evaluated: 2022-06-20. Review status: criteria provided, single submitter. Criteria: Invitae Variant Classification Sherloc (09022015). Collection method: clinical testing. Allele origin: germline.
Comment: This sequence change replaces isoleucine, which is neutral and non-polar, with asparagine, which is neutral and polar, at codon 9 of the GAMT protein (p.Ile9Asn). This variant is not present in population databases (gnomAD no frequency). This variant has not been reported in the literature in individuals affected with GAMT-related conditions. Algorithms developed to predict the effect of missense changes on protein structure and function are either unavailable or do not agree on the potential impact of this missense change (SIFT: "Deleterious"; PolyPhen-2: "Probably Damaging"; Align-GVGD: "Class C0"). In summary, the available evidence is currently insufficient to determine the role of this variant in disease. Therefore, it has been classified as a Variant of Uncertain Significance.